The following is an entry in ClinVar:

ClinVar aggregate classification (germline): Benign (1 of 4 stars; one submission).

Submission:

CeGaT Center for Human Genetics Tuebingen
Classification: Benign. Last evaluated: 2022-05-01. Review status: criteria provided, single submitter. Criteria: CeGaT Center For Human Genetics Tuebingen Variant Classification Criteria Version 2. Collection method: clinical testing. Allele origin: germline. Affected: yes. Observed: 1 variant allele.
Comment: REEP1: BS1, BS2

NM_001371279.1(REEP1):c.*2007_*2015del

Gene: REEP1 (receptor accessory protein 1; minus strand). Cytogenetic location: 2p11.2.
Variant type: Deletion.
Coding change: c.*2007_*2015del on transcript NM_001371279.1 (MANE Select); 2007 bases downstream of the stop codon through 2015 bases downstream of the stop codon, 9 bases deleted (AAAAAAAAA; older notation c.*2007_*2015delAAAAAAAAA).
Molecular consequence: 3 prime UTR variant.
Genome position (GRCh38, 1-based): chr2:86,215,024-86,215,032, TTTTTTTTT deleted on the plus strand (AAAAAAAAA on the coding strand, the reverse complement: REEP1 is on the minus strand); deleting any 9 consecutive bases within chr2:86,215,024-86,215,046 gives the same sequence; the c. name uses the placement nearest the transcript's 3' end. VCF-style (leftmost placement, unchanged base first): chr2-86215023-CTTTTTTTTT-C. GRCh37 (hg19) VCF-style: chr2-86442146-CTTTTTTTTT-C.
Other names: c.*2068_*2076del (NM_001164730.2, NM_001164731.2, NM_001410856.1 and 1 more transcripts); c.*2007_*2015del (NM_001164732.2, NM_001371280.1, NM_001410855.1).
Identifiers: ClinVar variation 2651100 (VCV002651100.24), dbSNP rs11350708, ClinGen allele CA894022014.